The following is an entry in ClinVar:

NM_000744.7(CHRNA4):c.1415C>G (p.Ser472Cys)

Gene: CHRNA4 (cholinergic receptor nicotinic alpha 4 subunit; minus strand). Cytogenetic location: 20q13.33.
Variant type: single nucleotide variant.
Coding change: c.1415C>G on transcript NM_000744.7 (MANE Select); coding-DNA position 1415, C replaced by G.
Protein change: p.Ser472Cys; replaces serine 472 with cysteine.
Molecular consequence: missense variant. On other transcripts: non-coding transcript variant (1).
Genome position (GRCh38, 1-based): chr20:63,349,996, G>C on the plus strand (C>G on the coding strand, the complement: CHRNA4 is on the minus strand). VCF-style: chr20-63349996-G-C. GRCh37 (hg19) VCF-style: chr20-61981348-G-C.
Other names: c.887C>G, p.Ser296Cys (NM_001256573.2); short protein forms S472C, S296C.
Identifiers: ClinVar variation 2834916 (VCV002834916.3), dbSNP rs534477048, ClinGen allele CA409633677.

ClinVar aggregate classification (germline): Uncertain significance (1 of 4 stars; one submission).

Conditions:
Familial sleep-related hypermotor epilepsy. Also called: Autosomal Dominant Sleep-Related Hypermotor (Hyperkinetic) Epilepsy. Identifiers: Orphanet 98784, MedGen C3696898, MONDO:0000030.

Submission:

Labcorp Genetics (formerly Invitae), Labcorp
Classification: Uncertain significance. Last evaluated: 2023-02-05. Review status: criteria provided, single submitter. Criteria: Invitae Variant Classification Sherloc (09022015). Collection method: clinical testing. Allele origin: germline.
Comment: In summary, the available evidence is currently insufficient to determine the role of this variant in disease. Therefore, it has been classified as a Variant of Uncertain Significance. Algorithms developed to predict the effect of missense changes on protein structure and function (SIFT, PolyPhen-2, Align-GVGD) all suggest that this variant is likely to be tolerated. This variant has not been reported in the literature in individuals affected with CHRNA4-related conditions. This variant is not present in population databases (gnomAD no frequency). This sequence change replaces serine, which is neutral and polar, with cysteine, which is neutral and slightly polar, at codon 472 of the CHRNA4 protein (p.Ser472Cys).